The following is an entry in ClinVar:

NM_032531.4(KIRREL3):c.2242A>G (p.Lys748Glu)

Gene: KIRREL3 (kirre like nephrin family adhesion molecule 3; minus strand). Cytogenetic location: 11q24.2.
Variant type: single nucleotide variant.
Coding change: c.2242A>G on transcript NM_032531.4 (MANE Select); coding-DNA position 2242, A replaced by G.
Protein change: p.Lys748Glu; replaces lysine 748 with glutamic acid.
Molecular consequence: missense variant.
Genome position (GRCh38, 1-based): chr11:126,424,675, T>C on the plus strand (A>G on the coding strand, the complement: KIRREL3 is on the minus strand). VCF-style: chr11-126424675-T-C. GRCh37 (hg19) VCF-style: chr11-126294570-T-C.
Other names: c.2206A>G, p.Lys736Glu (NM_001301097.2); c.2281A>G, p.Lys761Glu (NM_001441251.1, NM_001441254.1); c.2350A>G, p.Lys784Glu (NM_001441252.1); c.2317A>G, p.Lys773Glu (NM_001441253.1); c.2275A>G, p.Lys759Glu (NM_001441255.1); c.2245A>G, p.Lys749Glu (NM_001441256.1); c.2242A>G, p.Lys748Glu (NM_001441257.1, NM_001441258.1); c.2200A>G, p.Lys734Glu (NM_001441259.1); and 3 more; short protein forms K686E, K700E, K722E, K734E, K736E, K748E, K749E, K759E.
Identifiers: ClinVar variation 4891431 (VCV004891431.1).

ClinVar aggregate classification (germline): Uncertain significance (1 of 4 stars; one submission).

gnomAD v4.1: 1 of 1,614,018 alleles (0.000062%); highest among the groups gnomAD compares: Non-Finnish European, 0.000085%; no homozygotes.

Submission:

GeneDx
Classification: Uncertain significance. Last evaluated: 2023-12-07. Review status: criteria provided, single submitter. Criteria: GeneDx Variant Classification Process June 2021. Collection method: clinical testing. Allele origin: germline.
Comment: Not observed at significant frequency in large population cohorts (gnomAD); In silico analysis indicates that this missense variant does not alter protein structure/function; Has not been previously published as pathogenic or benign to our knowledge; Variants in candidate genes are classified as variants of uncertain significance in accordance with ACMG guidelines (PMID: 25741868)